The following is an entry in ClinVar:

NM_001164508.2(NEB):c.5722del (p.Ser1908fs)

Gene: NEB (nebulin; minus strand). Cytogenetic location: 2q23.3.
Variant type: Deletion.
Coding change: c.5722del on transcript NM_001164508.2 (MANE Select); coding-DNA position 5722, one base deleted (A; older notation c.5722delA).
Protein change: p.Ser1908fs; shifts the reading frame from serine 1908.
Molecular consequence: frameshift variant.
Genome position (GRCh38, 1-based): chr2:151,663,589, T deleted on the plus strand (A on the coding strand, the reverse complement: NEB is on the minus strand). VCF-style (leftmost placement, unchanged base first): chr2-151663588-CT-C. GRCh37 (hg19) VCF-style: chr2-152520102-CT-C.
Other names: c.5722delA (NM_001271208.1); c.5722del, p.Ser1908fs (NM_001164507.2, NM_001271208.2, NM_004543.5); short protein forms S1908fs.
Identifiers: ClinVar variation 465618 (VCV000465618.14), dbSNP rs1553484601, ClinGen allele CA658657074.

ClinVar aggregate classification (germline): Pathogenic/Likely pathogenic. Review status: criteria provided, multiple submitters, no conflicts (2 of 4 stars). 4 submissions from 4 submitters: Pathogenic (2); Likely pathogenic (2). Last evaluated 2024-03-07.

Conditions:
Nemaline myopathy. Also called: Myopathies, Nemaline. Identifiers: Orphanet 607, MedGen C0206157, MONDO:0018958.
Nemaline myopathy 2 (NEM2). Also called: Nemaline myopathy 2, autosomal recessive. Identifiers: MedGen C1850569, MONDO:0009725, OMIM 256030.
Arthrogryposis multiplex congenita 6. Identifiers: MedGen C5543431, MONDO:0030281, OMIM 619334.

Submissions (4):

Fulgent Genetics
Classification: Likely pathogenic for Nemaline myopathy 2; Arthrogryposis multiplex congenita 6. Last evaluated: 2024-03-07. Review status: criteria provided, single submitter. Criteria: ACMG Guidelines, 2015. Collection method: clinical testing. Allele origin: germline.

Labcorp Genetics (formerly Invitae), Labcorp
Classification: Pathogenic for Nemaline myopathy 2. Last evaluated: 2023-12-17. Review status: criteria provided, single submitter. Criteria: Invitae Variant Classification Sherloc (09022015). Collection method: clinical testing. Allele origin: germline.
Comment: This sequence change creates a premature translational stop signal (p.Ser1908Alafs*8) in the NEB gene. It is expected to result in an absent or disrupted protein product. Loss-of-function variants in NEB are known to be pathogenic (PMID: 25205138). This variant is not present in population databases (gnomAD no frequency). This premature translational stop signal has been observed in individual(s) with nemaline myopathy (PMID: 19944167). ClinVar contains an entry for this variant (Variation ID: 465618). Algorithms developed to predict the effect of sequence changes on RNA splicing suggest that this variant may disrupt the consensus splice site. For these reasons, this variant has been classified as Pathogenic.

Women's Health and Genetics/Laboratory Corporation of America, LabCorp
Classification: Likely pathogenic for Nemaline myopathy. Last evaluated: 2021-08-27. Review status: criteria provided, single submitter. Criteria: LabCorp Variant Classification Summary - May 2015. Collection method: clinical testing. Allele origin: germline.
Comment: Variant summary: NEB c.5722delA (p.Ser1908AlafsX8) results in a premature termination codon, predicted to cause a truncation of the encoded protein or absence of the protein due to nonsense mediated decay, which are commonly known mechanisms for disease. Truncations downstream of this position have been classified as pathogenic by our laboratory. The variant was absent in 248224 control chromosomes (gnomAD). c.5722delA has been reported in the literature in one individual affected with nemaline myopathy (Ottenheijm_2009). The data indicate that the variant is very likely to be associated with disease. To our knowledge, no experimental evidence demonstrating an impact on protein function has been reported. One ClinVar submitter (evaluation after 2014) cites the variant as pathogenic. Based on the evidence outlined above, the variant was classified as likely pathogenic.

Revvity Omics, Revvity
Classification: Pathogenic. Last evaluated: 2020-04-05. Review status: criteria provided, single submitter. Criteria: ACMG Guidelines, 2015. Collection method: clinical testing. Allele origin: germline.

Literature cited by the submitters: PubMed 25205138 (cited by Labcorp Genetics (formerly Invitae), Labcorp); PubMed 19944167 (cited by Labcorp Genetics (formerly Invitae), Labcorp and Women's Health and Genetics/Laboratory Corporation of America, LabCorp).